The following is an entry in ClinVar:

ClinVar aggregate classification (germline): Likely pathogenic (1 of 4 stars; one submission).

Conditions:
DICER1-related tumor predisposition. Also called: DICER1-related pleuropulmonary blastoma cancer predisposition syndrome; DICER1 syndrome. Identifiers: Orphanet 284343, MedGen C3839822, MONDO:0100216.

Submission:

Labcorp Genetics (formerly Invitae), Labcorp
Classification: Likely pathogenic for DICER1-related tumor predisposition. Last evaluated: 2020-11-12. Review status: criteria provided, single submitter. Criteria: Invitae Variant Classification Sherloc (09022015). Collection method: clinical testing. Allele origin: germline.
Comment: This sequence change affects an acceptor splice site in intron 17 of the DICER1 gene. It is expected to disrupt RNA splicing and likely results in an absent or disrupted protein product. This variant is not present in population databases (ExAC no frequency). This variant has not been reported in the literature in individuals with DICER1-related conditions. Algorithms developed to predict the effect of sequence changes on RNA splicing suggest that this variant may disrupt the consensus splice site, but this prediction has not been confirmed by published transcriptional studies. Donor and acceptor splice site variants typically lead to a loss of protein function (PMID: 16199547), and loss-of-function variants in DICER1 are known to be pathogenic (PMID: 19556464, 21266384). In summary, the currently available evidence indicates that the variant is pathogenic, but additional data are needed to prove that conclusively. Therefore, this variant has been classified as Likely Pathogenic.

Literature cited by the submitters: PubMed 16199547; PubMed 19556464; PubMed 21266384.

NM_177438.3(DICER1):c.2805-21_2805-2del

Gene: DICER1 (dicer 1, ribonuclease III; minus strand). Cytogenetic location: 14q32.13.
Variant type: Deletion.
Coding change: c.2805-21_2805-2del on transcript NM_177438.3 (MANE Select); 21 bases into the intron before coding-DNA position 2805 through the canonical splice acceptor site of the intron before coding-DNA position 2805, 20 bases deleted (TTTTTTGTTTTTCTTTTTTA).
Molecular consequence: splice acceptor variant.
Genome position (GRCh38, 1-based): chr14:95,106,225-95,106,244, TAAAAAAGAAAAACAAAAAA deleted on the plus strand (TTTTTTGTTTTTCTTTTTTA on the coding strand, the reverse complement: DICER1 is on the minus strand). VCF-style (leftmost placement, unchanged base first): chr14-95106224-CTAAAAAAGAAAAACAAAAAA-C. GRCh37 (hg19) VCF-style: chr14-95572561-CTAAAAAAGAAAAACAAAAAA-C.
Other names: c.2805-21_2805-2del (NM_001291628.2, NM_030621.4, NM_001271282.3 and 1 more transcripts).
Identifiers: ClinVar variation 1067240 (VCV001067240.3), dbSNP rs2140001131, ClinGen allele CA2499222805.
Genomic context (GRCh38, chr14:95,106,224, plus strand): 5'-GTAAGATCAGTGTACACATCAGCTACATAAAATCGATGAGGCTGATCAAAATTGCGATAT[CTAAAAAAGAAAAACAAAAAA>C]ACAATCAGTTGCTTTTTGATTTAAATCAACTATTCTCAAAATACAACTGTTTGTAGTATG-3'